The following is an entry in ClinVar:

NM_001203.3(BMPR1B):c.851A>C (p.Asn284Thr)

Gene: BMPR1B (bone morphogenetic protein receptor type 1B; plus strand). Cytogenetic location: 4q22.3.
Variant type: single nucleotide variant.
Coding change: c.851A>C on transcript NM_001203.3 (MANE Select); coding-DNA position 851, A replaced by C.
Protein change: p.Asn284Thr; replaces asparagine 284 with threonine.
Molecular consequence: missense variant.
Genome position (GRCh38, 1-based): chr4:95,131,287, A>C. VCF-style: chr4-95131287-A-C. GRCh37 (hg19) VCF-style: chr4-96052438-A-C.
Other names: c.851A>C, p.Asn284Thr (NM_001256792.2, NM_001256794.1); c.941A>C, p.Asn314Thr (NM_001256793.2); short protein forms N284T, N314T.
Identifiers: ClinVar variation 2947440 (VCV002947440.3), dbSNP rs1733338810, ClinGen allele CA357681985.
Genomic context (GRCh38, chr4:95,131,287, plus strand): 5'-CAGATATCAAAGGGACAGGGTCCTGGACCCAGTTGTACCTAATCACAGACTATCATGAAA[A>C]TGGTTCCCTTTATGATTATCTGAAGTCCACCACCCTAGACGCTAAATCAATGCTGAAGTT-3'
Protein context (NP_001194.1, residues 274-294): QLYLITDYHE[Asn284Thr]GSLYDYLKST

ClinVar aggregate classification (germline): Uncertain significance (1 of 4 stars; one submission).

Conditions:
Type A2 brachydactyly (BDA2). Also called: BRACHYMESOPHALANGY II; MOHR-WRIEDT TYPE BRACHYDACTYLY; Brachymesophalangy type 2. Identifiers: Orphanet 93396, MedGen C1832702, MONDO:0007216, OMIM 112600, HP:0009372.
Acromesomelic dysplasia 3 (AMD3). Also called: Acromesomelic dysplasia, Demirhan type; CHONDRODYSPLASIA, ACROMESOMELIC, WITH OR WITHOUT GENITAL ANOMALIES. Identifiers: MedGen C4225404, MONDO:0012274, OMIM 609441.

Submission:

Labcorp Genetics (formerly Invitae), Labcorp
Classification: Uncertain significance for Type A2 brachydactyly; Acromesomelic dysplasia 3. Last evaluated: 2023-05-02. Review status: criteria provided, single submitter. Criteria: Invitae Variant Classification Sherloc (09022015). Collection method: clinical testing. Allele origin: germline.
Comment: This variant is not present in population databases (gnomAD no frequency). In summary, the available evidence is currently insufficient to determine the role of this variant in disease. Therefore, it has been classified as a Variant of Uncertain Significance. Advanced modeling of protein sequence and biophysical properties (such as structural, functional, and spatial information, amino acid conservation, physicochemical variation, residue mobility, and thermodynamic stability) performed at Invitae indicates that this missense variant is not expected to disrupt BMPR1B protein function. This variant has not been reported in the literature in individuals affected with BMPR1B-related conditions. This sequence change replaces asparagine, which is neutral and polar, with threonine, which is neutral and polar, at codon 284 of the BMPR1B protein (p.Asn284Thr).